The following is an entry in ClinVar:

ClinVar aggregate classification (germline): Uncertain significance (1 of 4 stars; one submission).

Conditions:
Hyperaldosteronism, familial, type IV (HALD4). Also called: FH IV; ALDOSTERONISM, PRIMARY, AND HYPERTENSION. Identifiers: Orphanet 642671, MedGen C4310756, MONDO:0014875, OMIM 617027.
Idiopathic generalized epilepsy. Also called: Generalised epilepsy; EIG. Identifiers: MedGen C0270850, MONDO:0005579, OMIM 600669.

Submission:

Labcorp Genetics (formerly Invitae), Labcorp
Classification: Uncertain significance for Idiopathic generalized epilepsy; Hyperaldosteronism, familial, type IV. Last evaluated: 2024-02-24. Review status: criteria provided, single submitter. Criteria: Invitae Variant Classification Sherloc (09022015). Collection method: clinical testing. Allele origin: germline.
Comment: This variant, c.4723_4725del, results in the deletion of 1 amino acid(s) of the CACNA1H protein (p.Glu1575del), but otherwise preserves the integrity of the reading frame. This variant is present in population databases (no rsID available, gnomAD 0.003%). This variant has not been reported in the literature in individuals affected with CACNA1H-related conditions. Experimental studies and prediction algorithms are not available or were not evaluated, and the functional significance of this variant is currently unknown. In summary, the available evidence is currently insufficient to determine the role of this variant in disease. Therefore, it has been classified as a Variant of Uncertain Significance.

NM_021098.3(CACNA1H):c.4720GAG[1] (p.Glu1575del)

Gene: CACNA1H (calcium voltage-gated channel subunit alpha1 H; plus strand). Cytogenetic location: 16p13.3.
Variant type: Microsatellite.
Coding change: c.4720GAG[1] on transcript NM_021098.3 (MANE Select); one copy of the 3-base unit GAG starting at c.4720; the reference has two copies in a row; one copy, 3 bases deleted.
Protein change: p.Glu1575del; deletes glutamic acid 1575.
Molecular consequence: inframe deletion.
Genome position (GRCh38, 1-based): chr16:1,212,102-1,212,104, GAG deleted; deleting any 3 consecutive bases within chr16:1,212,099-1,212,104 gives the same sequence; the position shown is the placement nearest the transcript's 3' end. VCF-style (leftmost placement, unchanged base first): chr16-1212098-AGAG-A. GRCh37 (hg19) VCF-style: chr16-1262098-AGAG-A.
Other names: c.4720GAG[1], p.Glu1575del (NM_001005407.2); short protein forms E1575del.
Identifiers: ClinVar variation 1056044 (VCV001056044.9), dbSNP rs1447090901, ClinGen allele CA620697396.